The following is an entry in ClinVar:

ClinVar aggregate classification (germline): Uncertain significance. Review status: criteria provided, multiple submitters, no conflicts (2 of 4 stars). 2 submissions from 2 submitters: Uncertain significance (2). Last evaluated 2025-09-08.

Conditions:
DYRK1B-related disorder. Also called: DYRK1B-related condition.

Allele frequency attached by ClinVar (database versions not stated): ExAC 0.00002; gnomAD 0.00002; 1000 Genomes Project 30x 0.00016.

Submissions (2):

PreventionGenetics, part of Exact Sciences
Classification: Uncertain significance for DYRK1B-related condition. Last evaluated: 2025-09-08. Review status: criteria provided, single submitter. Criteria: ACMG Guidelines, 2015. Collection method: clinical testing. Allele origin: germline.
Comment: The DYRK1B c.312C>T variant is not predicted to result in an amino acid change (p.=). However, this variant is predicted to result in the creation of a novel splice donor site within exon 4 (SpliceAI, Jaganathan et al. 2019. PubMed ID: 30661751). To our knowledge, this variant has not been reported in the literature. This variant is reported in 0.023% of alleles in individuals of Latino descent in gnomAD, which may be too common to be an undocumented primary cause of disease. Although we suspect that this variant may be benign, at this time its clinical significance is uncertain due to the absence of conclusive functional and genetic evidence.

Labcorp Genetics (formerly Invitae), Labcorp
Classification: Uncertain significance. Last evaluated: 2021-10-20. Review status: criteria provided, single submitter. Criteria: Invitae Variant Classification Sherloc (09022015). Collection method: clinical testing. Allele origin: germline.
Comment: In summary, the available evidence is currently insufficient to determine the role of this variant in disease. Therefore, it has been classified as a Variant of Uncertain Significance. Algorithms developed to predict the effect of sequence changes on RNA splicing suggest that this variant may create or strengthen a splice site. This variant has not been reported in the literature in individuals affected with DYRK1B-related conditions. This variant is present in population databases (rs201029953, ExAC 0.02%). This sequence change affects codon 104 of the DYRK1B mRNA. It is a 'silent' change, meaning that it does not change the encoded amino acid sequence of the DYRK1B protein.

NM_004714.3(DYRK1B):c.312C>T (p.Gly104=)

Gene: DYRK1B (dual specificity tyrosine phosphorylation regulated kinase 1B; minus strand). Cytogenetic location: 19q13.2.
Variant type: single nucleotide variant.
Coding change: c.312C>T on transcript NM_004714.3 (MANE Select); coding-DNA position 312, C replaced by T.
Protein change: p.Gly104=; no amino-acid change (glycine 104 retained).
Molecular consequence: synonymous variant.
Genome position (GRCh38, 1-based): chr19:39,830,435, G>A on the plus strand (C>T on the coding strand, the complement: DYRK1B is on the minus strand). VCF-style: chr19-39830435-G-A. GRCh37 (hg19) VCF-style: chr19-40321075-G-A.
Other names: c.312C>T (NM_004714.2); c.312C>T, p.Gly104= (NM_006483.3, NM_006484.3).
Identifiers: ClinVar variation 1513292 (VCV001513292.8), dbSNP rs201029953, ClinGen allele CA9434365.